The following is an entry in ClinVar:

ClinVar aggregate classification (germline): Uncertain significance (1 of 4 stars; one submission).

Conditions:
Inborn genetic diseases. Identifiers: MedGen C0950123, MeSH D030342.

Allele frequency attached by ClinVar (database versions not stated): TOPMed below 0.00001.
gnomAD v4.1: 18 of 1,613,862 alleles (0.0011%); highest among the groups gnomAD compares: Admixed American, 0.0017%; no homozygotes.

Submission:

Ambry Genetics
Classification: Uncertain significance for Inborn genetic diseases. Last evaluated: 2022-12-15. Review status: criteria provided, single submitter. Criteria: Ambry Variant Classification Scheme 2023. Collection method: clinical testing. Allele origin: germline.
Comment: The c.711C>G (p.N237K) alteration is located in exon 6 (coding exon 5) of the DPYSL5 gene. This alteration results from a C to G substitution at nucleotide position 711, causing the asparagine (N) at amino acid position 237 to be replaced by a lysine (K). This amino acid position is highly conserved in available vertebrate species. This alteration is predicted to be tolerated by in silico analysis. Based on insufficient or conflicting evidence, the clinical significance of this alteration remains unclear.

NM_020134.4(DPYSL5):c.711C>G (p.Asn237Lys)

Gene: DPYSL5 (dihydropyrimidinase like 5; plus strand). Cytogenetic location: 2p23.3.
Variant type: single nucleotide variant.
Coding change: c.711C>G on transcript NM_020134.4 (MANE Select); coding-DNA position 711, C replaced by G.
Protein change: p.Asn237Lys; replaces asparagine 237 with lysine.
Molecular consequence: missense variant.
Genome position (GRCh38, 1-based): chr2:26,931,681, C>G. VCF-style: chr2-26931681-C-G. GRCh37 (hg19) VCF-style: chr2-27154549-C-G.
Other names: c.711C>G, p.Asn237Lys (NM_001253723.2, NM_001253724.2); short protein forms N237K.
Identifiers: ClinVar variation 2335951 (VCV002335951.3), dbSNP rs756667382, ClinGen allele CA1566208.